The following is an entry in ClinVar:

NM_001904.4(CTNNB1):c.827C>G (p.Ala276Gly)

Gene: CTNNB1 (catenin beta 1; plus strand). Cytogenetic location: 3p22.1.
Variant type: single nucleotide variant.
Coding change: c.827C>G on transcript NM_001904.4 (MANE Select); coding-DNA position 827, C replaced by G.
Protein change: p.Ala276Gly; replaces alanine 276 with glycine.
Molecular consequence: missense variant.
Genome position (GRCh38, 1-based): chr3:41,225,752, C>G. VCF-style: chr3-41225752-C-G. GRCh37 (hg19) VCF-style: chr3-41267243-C-G.
Other names: c.827C>G, p.Ala276Gly (NM_001098209.2, NM_001098210.2, NM_001438871.1 and 4 more transcripts); c.806C>G, p.Ala269Gly (NM_001330729.2); short protein forms A269G, A276G.
Identifiers: ClinVar variation 5017461 (VCV005017461.1).

ClinVar aggregate classification (germline): Uncertain significance (1 of 4 stars; one submission).

Submission:

GeneDx
Classification: Uncertain significance. Last evaluated: 2026-03-27. Review status: criteria provided, single submitter. Criteria: GeneDx Variant Classification Process June 2021. Collection method: clinical testing. Allele origin: germline.
Comment: Not observed at significant frequency in large population cohorts (gnomAD); In silico analysis supports that this missense variant has a deleterious effect on protein structure/function; Has not been previously published as pathogenic or benign to our knowledge